The following is an entry in ClinVar:

ClinVar aggregate classification (germline): Uncertain significance (1 of 4 stars; one submission).

Submission:

Labcorp Genetics (formerly Invitae), Labcorp
Classification: Uncertain significance. Last evaluated: 2024-12-16. Review status: criteria provided, single submitter. Criteria: Invitae Variant Classification Sherloc (09022015). Collection method: clinical testing. Allele origin: germline.
Comment: This sequence change falls in intron 4 of the KAT6A gene. It does not directly change the encoded amino acid sequence of the KAT6A protein. It affects a nucleotide within the consensus splice site. This variant is not present in population databases (gnomAD no frequency). This variant has not been reported in the literature in individuals affected with KAT6A-related conditions. ClinVar contains an entry for this variant (Variation ID: 1972489). Variants that disrupt the consensus splice site are a relatively common cause of aberrant splicing (PMID: 17576681, 9536098). Algorithms developed to predict the effect of sequence changes on RNA splicing suggest that this variant is not likely to affect RNA splicing. In summary, the available evidence is currently insufficient to determine the role of this variant in disease. Therefore, it has been classified as a Variant of Uncertain Significance.

Literature cited by the submitters: PubMed 17576681; PubMed 9536098.

NM_006766.5(KAT6A):c.825+6T>C

Gene: KAT6A (lysine acetyltransferase 6A; minus strand). Cytogenetic location: 8p11.21.
Variant type: single nucleotide variant.
Coding change: c.825+6T>C on transcript NM_006766.5 (MANE Select); 6 bases into the intron after coding-DNA position 825, T replaced by C.
Molecular consequence: intron variant.
Genome position (GRCh38, 1-based): chr8:41,981,833, A>G on the plus strand (T>C on the coding strand, the complement: KAT6A is on the minus strand). VCF-style: chr8-41981833-A-G. GRCh37 (hg19) VCF-style: chr8-41839351-A-G.
Other names: c.825+6T>C (NM_001305878.2).
Identifiers: ClinVar variation 1972489 (VCV001972489.5), dbSNP rs2486826289, ClinGen allele CA2580078308.